The following is an entry in ClinVar:

NM_000718.4(CACNA1B):c.3058C>T (p.His1020Tyr)

Gene: CACNA1B (calcium voltage-gated channel subunit alpha1 B; plus strand). Cytogenetic location: 9q34.3.
Variant type: single nucleotide variant.
Coding change: c.3058C>T on transcript NM_000718.4 (MANE Select); coding-DNA position 3058, C replaced by T.
Protein change: p.His1020Tyr; replaces histidine 1020 with tyrosine.
Molecular consequence: missense variant.
Genome position (GRCh38, 1-based): chr9:138,023,801, C>T. VCF-style: chr9-138023801-C-T. GRCh37 (hg19) VCF-style: chr9-140918253-C-T.
Other names: c.3058C>T, p.His1020Tyr (NM_001243812.2); short protein forms H1020Y.
Identifiers: ClinVar variation 2110069 (VCV002110069.4), dbSNP rs2539376357, ClinGen allele CA375810722.

ClinVar aggregate classification (germline): Uncertain significance (1 of 4 stars; one submission).

Allele frequency attached by ClinVar (database versions not stated): gnomAD exomes below 0.00001.
gnomAD v4.1: 3 of 1,415,346 alleles (0.00021%); highest among the groups gnomAD compares: East Asian, 0.005%; no homozygotes.

Submission:

Labcorp Genetics (formerly Invitae), Labcorp
Classification: Uncertain significance. Last evaluated: 2022-06-16. Review status: criteria provided, single submitter. Criteria: Invitae Variant Classification Sherloc (09022015). Collection method: clinical testing. Allele origin: germline.
Comment: This variant is not present in population databases (gnomAD no frequency). In summary, the available evidence is currently insufficient to determine the role of this variant in disease. Therefore, it has been classified as a Variant of Uncertain Significance. Advanced modeling of protein sequence and biophysical properties (such as structural, functional, and spatial information, amino acid conservation, physicochemical variation, residue mobility, and thermodynamic stability) performed at Invitae indicates that this missense variant is not expected to disrupt CACNA1B protein function. This variant has not been reported in the literature in individuals affected with CACNA1B-related conditions. This sequence change replaces histidine, which is basic and polar, with tyrosine, which is neutral and polar, at codon 1020 of the CACNA1B protein (p.His1020Tyr).